The following is an entry in ClinVar:

ClinVar aggregate classification (germline): Uncertain significance. Review status: criteria provided, multiple submitters, no conflicts (2 of 4 stars). 3 submissions from 3 submitters: Uncertain significance (3). Last evaluated 2025-03-24.

Conditions:
MFAP5-related disorder. Also called: MFAP5-related condition.

Allele frequency attached by ClinVar (database versions not stated): gnomAD 0.00001; gnomAD exomes 0.00001 and 0.00002; TOPMed 0.00001.
gnomAD v4.1: 33 of 1,613,886 alleles (0.002%); highest among the groups gnomAD compares: Non-Finnish European, 0.0025%; no homozygotes.

Submissions (3):

PreventionGenetics, part of Exact Sciences
Classification: Uncertain significance for MFAP5-related condition. Last evaluated: 2025-03-24. Review status: criteria provided, single submitter. Criteria: ACMG Guidelines, 2015. Collection method: clinical testing. Allele origin: germline.
Comment: The MFAP5 c.376C>T variant is predicted to result in the amino acid substitution p.Arg126Cys. To our knowledge, this variant has not been reported in the literature. This variant is reported in 0.0033% of alleles in individuals of South Asian descent in gnomAD. At this time, the clinical significance of this variant is uncertain due to the absence of conclusive functional and genetic evidence.

Labcorp Genetics (formerly Invitae), Labcorp
Classification: Uncertain significance. Last evaluated: 2024-04-25. Review status: criteria provided, single submitter. Criteria: Invitae Variant Classification Sherloc (09022015). Collection method: clinical testing. Allele origin: germline.
Comment: This sequence change replaces arginine, which is basic and polar, with cysteine, which is neutral and slightly polar, at codon 126 of the MFAP5 protein (p.Arg126Cys). This variant is present in population databases (rs540639689, gnomAD 0.003%). This variant has not been reported in the literature in individuals affected with MFAP5-related conditions. ClinVar contains an entry for this variant (Variation ID: 451217). An algorithm developed to predict the effect of missense changes on protein structure and function (PolyPhen-2) suggests that this variant is likely to be disruptive. In summary, the available evidence is currently insufficient to determine the role of this variant in disease. Therefore, it has been classified as a Variant of Uncertain Significance.

GeneDx
Classification: Uncertain significance. Last evaluated: 2022-10-17. Review status: criteria provided, single submitter. Criteria: GeneDx Variant Classification Process June 2021. Collection method: clinical testing. Allele origin: germline. Affected: yes.
Comment: Has not been previously published as pathogenic or benign to our knowledge; In silico analysis supports that this missense variant has a deleterious effect on protein structure/function; Variants in candidate genes are classified as variants of uncertain significance in accordance with ACMG guidelines (Richards et al., 2015)

NM_003480.4(MFAP5):c.376C>T (p.Arg126Cys)

Gene: MFAP5 (microfibril associated protein 5; minus strand). Cytogenetic location: 12p13.31.
Variant type: single nucleotide variant.
Coding change: c.376C>T on transcript NM_003480.4 (MANE Select); coding-DNA position 376, C replaced by T.
Protein change: p.Arg126Cys; replaces arginine 126 with cysteine.
Molecular consequence: missense variant. On other transcripts: non-coding transcript variant (2), intron variant (1).
Genome position (GRCh38, 1-based): chr12:8,649,534, G>A on the plus strand (C>T on the coding strand, the complement: MFAP5 is on the minus strand). VCF-style: chr12-8649534-G-A. GRCh37 (hg19) VCF-style: chr12-8802130-G-A.
Other names: c.346C>T, p.Arg116Cys (NM_001297709.2); c.310C>T, p.Arg104Cys (NM_001297710.2); c.301C>T, p.Arg101Cys (NM_001297711.2); c.218-1331C>T (NM_001297712.2); short protein forms R126C, R101C, R116C, R104C.
Identifiers: ClinVar variation 451217 (VCV000451217.8), dbSNP rs540639689, ClinGen allele CA232305835.
Genomic context (GRCh38, chr12:8,649,534, plus strand): 5'-CCATTAAACATCCAGACATCATCTTACCTTTCATAGCTTCGTGTTCCTTACAGACAAGAC[G>A]AGAGCAGATCTCCTTGTTGACGATGTACATACGTCGTAAACTGCAGACGTCCCAGTGTCA-3'
Protein context (NP_003471.1, residues 116-136): MYIVNKEICS[Arg126Cys]LVCKEHEAMK